The following is an entry in ClinVar:

NM_032609.3(COX4I2):c.83-10G>T

Gene: COX4I2 (cytochrome c oxidase subunit 4I2; plus strand). Cytogenetic location: 20q11.21.
Variant type: single nucleotide variant.
Coding change: c.83-10G>T on transcript NM_032609.3 (MANE Select); 10 bases into the intron before coding-DNA position 83, G replaced by T.
Molecular consequence: intron variant.
Genome position (GRCh38, 1-based): chr20:31,639,923, G>T. VCF-style: chr20-31639923-G-T. GRCh37 (hg19) VCF-style: chr20-30227726-G-T.
Identifiers: ClinVar variation 668668 (VCV000668668.8), dbSNP rs141555235, ClinGen allele CA9801865.
Genomic context (GRCh38, chr20:31,639,923, plus strand): 5'-TTATTAATATAGTTAGAGATAGGGTGTCCCAAGGGCAGCCTGGACTCAGCTCCCTCCATT[G>T]TGTCTGCAGCCCGTGGTGGGGGGAAGATGTCCCCCTACACCAACTGCTATGCCCAGCGCT-3'

ClinVar aggregate classification (germline): Benign. Review status: criteria provided, multiple submitters, no conflicts (2 of 4 stars). 2 submissions from 2 submitters: Benign (2). Last evaluated 2025-08-13.

Allele frequency attached by ClinVar (database versions not stated): gnomAD exomes 0.00023 and 0.00078; ExAC 0.00092; ESP Exome Variant Server 0.00277; gnomAD 0.00300 and 0.00316; TOPMed 0.00339; 1000 Genomes Project 0.00379.
gnomAD v4.1: 806 of 1,589,856 alleles (0.051%); highest among the groups gnomAD compares: African/African-American, 0.98%; 6 homozygotes.

Submissions (2):

Labcorp Genetics (formerly Invitae), Labcorp
Classification: Benign. Last evaluated: 2025-08-13. Review status: criteria provided, single submitter. Criteria: Invitae Variant Classification Sherloc (09022015). Collection method: clinical testing. Allele origin: germline.

GeneDx
Classification: Benign. Last evaluated: 2018-04-19. Review status: criteria provided, single submitter. Criteria: GeneDx Variant Classification (06012015). Collection method: clinical testing. Allele origin: germline. Affected: yes.
Comment: This variant is considered likely benign or benign based on one or more of the following criteria: it is a conservative change, it occurs at a poorly conserved position in the protein, it is predicted to be benign by multiple in silico algorithms, and/or has population frequency not consistent with disease.